The following is an entry in ClinVar:

NM_001292063.2(OTOG):c.2868-3C>T

Gene: OTOG (otogelin; plus strand). Cytogenetic location: 11p15.1.
Variant type: single nucleotide variant.
Coding change: c.2868-3C>T on transcript NM_001292063.2 (MANE Select); 3 bases into the intron before coding-DNA position 2868, C replaced by T.
Molecular consequence: intron variant.
Genome position (GRCh38, 1-based): chr11:17,591,447, C>T. VCF-style: chr11-17591447-C-T. GRCh37 (hg19) VCF-style: chr11-17612994-C-T.
Other names: c.2904-3C>T (NM_001277269.1, NM_001277269.2).
Identifiers: ClinVar variation 598623 (VCV000598623.16), dbSNP rs565665118, ClinGen allele CA5905680.

ClinVar aggregate classification (germline): Conflicting classifications of pathogenicity. Review status: criteria provided, conflicting classifications (1 of 4 stars). 4 submissions from 4 submitters: Uncertain significance (1); Likely benign (3). Last evaluated 2026-01-19.

Conditions:
OTOG-related disorder. Also called: OTOG-related condition.

Allele frequency attached by ClinVar (database versions not stated): gnomAD exomes 0.00010 and 0.00017; 1000 Genomes Project 30x 0.00062; gnomAD 0.00088 and 0.00093; TOPMed 0.00098; ExAC 0.00030; 1000 Genomes Project 0.00060.
gnomAD v4.1: 284 of 1,550,670 alleles (0.018%); highest among the groups gnomAD compares: African/African-American, 0.36%; 1 homozygote.

Submissions (4):

Labcorp Genetics (formerly Invitae), Labcorp
Classification: Likely benign. Last evaluated: 2026-01-19. Review status: criteria provided, single submitter. Criteria: Invitae Variant Classification Sherloc (09022015). Collection method: clinical testing. Allele origin: germline.

PreventionGenetics, part of Exact Sciences
Classification: Likely benign for OTOG-related condition. Last evaluated: 2025-06-26. Review status: criteria provided, single submitter. Criteria: ACMG Guidelines, 2015. Collection method: clinical testing. Allele origin: germline.
Comment: This variant is classified as likely benign based on ACMG/AMP sequence variant interpretation guidelines (Richards et al. 2015 PMID: 25741868, with internal and published modifications).

GeneDx
Classification: Likely benign. Last evaluated: 2020-09-08. Review status: criteria provided, single submitter. Criteria: GeneDx Variant Classification Process June 2021. Collection method: clinical testing. Allele origin: germline. Affected: yes.

Eurofins Ntd Llc (ga)
Classification: Uncertain significance. Last evaluated: 2018-09-11. Review status: criteria provided, single submitter. Criteria: EGL ClinVar v180209 classification definitions. Collection method: clinical testing. Allele origin: germline. Observed: 1 variant allele, 1 heterozygote.